The following is an entry in ClinVar:

NC_000002.11:g.(?_166847755)_(166930131_?)dup

Gene: SCN1A (sodium voltage-gated channel alpha subunit 1; minus strand). Cytogenetic location: 2q24.3.
Variant type: Duplication.
Identifiers: ClinVar variation 3247195 (VCV003247195.1).

ClinVar aggregate classification (germline): Uncertain significance (1 of 4 stars; one submission).

Conditions:
Developmental and epileptic encephalopathy. Identifiers: MedGen C5779964, MONDO:0100620.

Submission:

Labcorp Genetics (formerly Invitae), Labcorp
Classification: Uncertain significance for Early-infantile DEE. Last evaluated: 2023-11-02. Review status: criteria provided, single submitter. Criteria: Invitae Variant Classification Sherloc (09022015). Collection method: clinical testing. Allele origin: unknown.
Comment: A copy number gain of the genomic region encompassing the full coding sequence of the SCN1A gene has been identified. The boundaries of this event are unknown as they extend beyond the assayed region for this gene and therefore may encompass additional genes. As the precise location of this event is unknown, it may be in tandem or it may be located elsewhere in the genome. Isolated whole-gene duplications of SCN1A have not been reported in the literature. However, larger copy number events that include this gene have been reported (PMID: 21416599, 21692795, 23016767, 23184456, 26068938). In summary, the available evidence is currently insufficient to determine the role of this variant in disease. Therefore, it has been classified as a Variant of Uncertain Significance.

Literature cited by the submitters: PubMed 21416599; PubMed 21692795; PubMed 23016767; PubMed 23184456; PubMed 26068938.